The following is an entry in ClinVar:

NM_004463.3(FGD1):c.688_690del (p.Pro230del)

Gene: FGD1 (FYVE, RhoGEF and PH domain containing 1; minus strand). Cytogenetic location: Xp11.22.
Variant type: Deletion.
Coding change: c.688_690del on transcript NM_004463.3 (MANE Select); coding-DNA positions 688 to 690, 3 bases deleted (CCA; older notation c.688_690delCCA).
Protein change: p.Pro230del; deletes proline 230.
Molecular consequence: inframe deletion.
Genome position (GRCh38, 1-based): chrX:54,470,427-54,470,429, TGG deleted on the plus strand (CCA on the coding strand, the reverse complement: FGD1 is on the minus strand); deleting any 3 consecutive bases within chrX:54,470,427-54,470,430 gives the same sequence; the c. name uses the placement nearest the transcript's 3' end. VCF-style (leftmost placement, unchanged base first): chrX-54470426-CTGG-C. GRCh37 (hg19) VCF-style: chrX-54496859-CTGG-C.
Other names: short protein forms P230del.
Identifiers: ClinVar variation 2874881 (VCV002874881.3), dbSNP rs2522715312, ClinGen allele CA2739273541.

ClinVar aggregate classification (germline): Uncertain significance (1 of 4 stars; one submission).

Submission:

Labcorp Genetics (formerly Invitae), Labcorp
Classification: Uncertain significance. Last evaluated: 2022-12-04. Review status: criteria provided, single submitter. Criteria: Invitae Variant Classification Sherloc (09022015). Collection method: clinical testing. Allele origin: germline.
Comment: This variant has not been reported in the literature in individuals affected with FGD1-related conditions. This variant is not present in population databases (gnomAD no frequency). This variant, c.688_690del, results in the deletion of 1 amino acid(s) of the FGD1 protein (p.Pro230del), but otherwise preserves the integrity of the reading frame. Experimental studies and prediction algorithms are not available or were not evaluated, and the functional significance of this variant is currently unknown. In summary, the available evidence is currently insufficient to determine the role of this variant in disease. Therefore, it has been classified as a Variant of Uncertain Significance.